The following is an entry in ClinVar:

ClinVar aggregate classification (germline): Pathogenic (1 of 4 stars; one submission).

Conditions:
Cerebral cavernous malformation (CCM). Also called: Cerebral cavernous malformations; Cavernous Hemangioma of Brain; Cerebral cavernous hemangioma (type); CAVERNOUS ANGIOMA, FAMILIAL; CAVERNOUS ANGIOMATOUS MALFORMATIONS; CEREBRAL CAPILLARY MALFORMATIONS. Identifiers: Orphanet 221061, MedGen C2919945, MONDO:0000820, OMIM 116860, HP:0033522.

Submission:

Labcorp Genetics (formerly Invitae), Labcorp
Classification: Pathogenic for Cerebral cavernous malformation. Last evaluated: 2025-06-15. Review status: criteria provided, single submitter. Criteria: Invitae Variant Classification Sherloc (09022015). Collection method: clinical testing. Allele origin: germline.
Comment: This sequence change creates a premature translational stop signal (p.Glu449Glyfs*31) in the KRIT1 gene. It is expected to result in an absent or disrupted protein product. Loss-of-function variants in KRIT1 are known to be pathogenic (PMID: 10508515, 11222804, 12404106, 24689081). This variant is not present in population databases (gnomAD no frequency). This premature translational stop signal has been observed in individual(s) with cavernous malformations (PMID: 12854741). This variant is also known as c.2088insG. For these reasons, this variant has been classified as Pathogenic.

Literature cited by the submitters: PubMed 10508515; PubMed 11222804; PubMed 12404106; PubMed 24689081; PubMed 12854741.

NM_194454.3(KRIT1):c.1345dup (p.Glu449fs)

Gene: KRIT1 (KRIT1 ankyrin repeat containing; minus strand). Cytogenetic location: 7q21.2.
Variant type: Duplication.
Coding change: c.1345dup on transcript NM_194454.3 (MANE Select); coding-DNA position 1345, one base duplicated (G; older notation c.1345dupG).
Protein change: p.Glu449fs; shifts the reading frame from glutamic acid 449.
Molecular consequence: frameshift variant.
Genome position (GRCh38, 1-based): chr7:92,222,888, C duplicated on the plus strand (G on the coding strand, the reverse complement: KRIT1 is on the minus strand); the first of 2 consecutive C bases (chr7:92,222,888-92,222,889); duplicating either gives the same sequence. VCF-style (leftmost placement, unchanged base first): chr7-92222887-T-TC. GRCh37 (hg19) VCF-style: chr7-91852201-T-TC.
Other names: c.1201dup, p.Glu401fs (NM_001013406.2, NM_001350669.1, NM_001350670.1); c.631dup, p.Glu211fs (NM_001350671.1); c.1345dup, p.Glu449fs (NM_001350672.1, NM_001350673.1, NM_001350674.1 and 26 more transcripts); short protein forms E211fs, E401fs, E449fs.
Identifiers: ClinVar variation 4709512 (VCV004709512.1).